The following is an entry in ClinVar:

NM_001042492.3(NF1):c.5178del (p.Pro1727fs)

Gene: NF1 (neurofibromin 1; plus strand). Cytogenetic location: 17q11.2.
Variant type: Deletion.
Coding change: c.5178del on transcript NM_001042492.3 (MANE Select); coding-DNA position 5178, one base deleted (A; older notation c.5178delA).
Protein change: p.Pro1727fs; shifts the reading frame from proline 1727.
Molecular consequence: frameshift variant.
Genome position (GRCh38, 1-based): chr17:31,326,162, A deleted. VCF-style (leftmost placement, unchanged base first): chr17-31326161-TA-T. GRCh37 (hg19) VCF-style: chr17-29653179-TA-T.
Other names: c.5115delA, p.Pro1706Leufs (NM_000267.4); c.5115delA (NM_000267.3); short protein forms P1706fs, P1727fs.
Identifiers: ClinVar variation 457741 (VCV000457741.5), dbSNP rs1555533393, ClinGen allele CA658658547.
Genomic context (GRCh38, chr17:31,326,161, plus strand): 5'-TTGTTTTCATAGACTGTCCTGGGAAACTGGCTGAGCACATAGAGCATGAACAACAGAAAC[TA>T]CCTGCTGCCACCTTGGCTTTAGAAGAGGACCTGAAGGTATTCCACAATGCTCTCAAGCTA-3'

ClinVar aggregate classification (germline): Pathogenic (1 of 4 stars; one submission).

Conditions:
Neurofibromatosis, type 1 (NF1). Also called: VON RECKLINGHAUSEN DISEASE; NEUROFIBROMATOSIS, TYPE I, SOMATIC; Peripheral type neurofibromatosis; Neurofibromatosis, type I. Identifiers: Orphanet 636, MedGen C0027831, MONDO:0018975, OMIM 162200. Disease mechanism: loss of function.

Submission:

Labcorp Genetics (formerly Invitae), Labcorp
Classification: Pathogenic for Neurofibromatosis, type 1. Last evaluated: 2017-04-24. Review status: criteria provided, single submitter. Criteria: Invitae Variant Classification Sherloc (09022015). Collection method: clinical testing. Allele origin: germline.
Comment: For these reasons, this variant has been classified as Pathogenic. While this particular variant has not been reported in the literature, loss-of-function variants in NF1 are known to be pathogenic (PMID: 10712197, 23913538). This sequence change deletes 1 nucleotide from exon 36 of the NF1 mRNA (c.5115delA), causing a frameshift at codon 1706. This creates a premature translational stop signal (p.Pro1706Leufs*7) and is expected to result in an absent or disrupted protein product.

Literature cited by the submitters: PubMed 10712197; PubMed 23913538.